The following is an entry in ClinVar:

NM_002087.4(GRN):c.264+1del

Gene: GRN (granulin precursor; plus strand). Cytogenetic location: 17q21.31.
Variant type: Deletion.
Coding change: c.264+1del on transcript NM_002087.4 (MANE Select); the canonical splice donor site of the intron after coding-DNA position 264, one base deleted (G; older notation c.264+1delG).
Molecular consequence: splice donor variant.
Genome position (GRCh38, 1-based): chr17:44,349,552, G deleted; the last of 2 consecutive G bases (chr17:44,349,551-44,349,552); deleting either gives the same sequence. VCF-style (leftmost placement, unchanged base first): chr17-44349550-AG-A. GRCh37 (hg19) VCF-style: chr17-42426918-AG-A.
Identifiers: ClinVar variation 1999202 (VCV001999202.4), dbSNP rs2510054566, ClinGen allele CA2580093875.
Genomic context (GRCh38, chr17:44,349,550, plus strand): 5'-CTGCCGGCCACTCCTGCATCTTTACCGTCTCAGGGACTTCCAGTTGCTGCCCCTTCCCAG[AG>A]GTGAGCGTGCCATCAGCCCAGTGGAGGGGCTTAGGTCTGCATTTATGCTTTTCCTGCACT-3'

ClinVar aggregate classification (germline): Pathogenic (1 of 4 stars; one submission).

Conditions:
GRN-related frontotemporal lobar degeneration with Tdp43 inclusions (FTD2). Also called: DEMENTIA, HEREDITARY DYSPHASIC DISINHIBITION; FRONTOTEMPORAL LOBAR DEGENERATION WITH UBIQUITIN-POSITIVE INCLUSIONS; FTLD-TDP, GRN-RELATED; GRN Frontotemporal Dementia; FRONTOTEMPORAL DEMENTIA WITH TDP43 INCLUSIONS, GRN-RELATED. Identifiers: Orphanet 100070, Orphanet 282, MedGen C1843792, MONDO:0011842, OMIM 607485. Disease mechanism: loss of function.
Neuronal ceroid lipofuscinosis 11. Also called: GRN-Related Neuronal Ceroid-Lipofuscinosis. Identifiers: Orphanet 314629, Orphanet 79262, MedGen C3539123, MONDO:0013866, OMIM 614706.

Submission:

Labcorp Genetics (formerly Invitae), Labcorp
Classification: Pathogenic for Neuronal ceroid lipofuscinosis 11; GRN-related frontotemporal lobar degeneration with Tdp43 inclusions. Last evaluated: 2022-05-26. Review status: criteria provided, single submitter. Criteria: Invitae Variant Classification Sherloc (09022015). Collection method: clinical testing. Allele origin: germline.
Comment: Algorithms developed to predict the effect of sequence changes on RNA splicing suggest that this variant may disrupt the consensus splice site. For these reasons, this variant has been classified as Pathogenic. This variant is also known as c.264+1del. This variant has not been reported in the literature in individuals affected with GRN-related conditions. This sequence change creates a premature translational stop signal (p.Ala89Profs*167) in the GRN gene. It is expected to result in an absent or disrupted protein product. Loss-of-function variants in GRN are known to be pathogenic (PMID: 16862116, 16950801, 22608501). This variant is not present in population databases (gnomAD no frequency).

Literature cited by the submitters: PubMed 16862116; PubMed 16950801; PubMed 22608501.